The following is an entry in ClinVar:

NM_001381902.1(SAGE1):c.2355G>A (p.Ala785=)

Gene: SAGE1 (sarcoma antigen 1; plus strand). Cytogenetic location: Xq26.3.
Variant type: single nucleotide variant.
Coding change: c.2355G>A on transcript NM_001381902.1 (MANE Select); coding-DNA position 2355, G replaced by A.
Protein change: p.Ala785=; no amino-acid change (alanine 785 retained).
Molecular consequence: synonymous variant.
Genome position (GRCh38, 1-based): chrX:135,911,787, G>A. VCF-style: chrX-135911787-G-A. GRCh37 (hg19) VCF-style: chrX-134993946-G-A.
Other names: c.2355G>A, p.Ala785= (NM_018666.3).
Identifiers: ClinVar variation 3053042 (VCV003053042.2), dbSNP rs150124078, ClinGen allele CA10524388.

ClinVar aggregate classification (germline): Likely benign (0 of 4 stars; one submission).

Conditions:
SAGE1-related disorder. Also called: SAGE1-related condition.

Allele frequency attached by ClinVar (database versions not stated): gnomAD 0.00027; ESP Exome Variant Server 0.00038; gnomAD exomes 0.00049.
gnomAD v4.1: 563 of 1,208,810 alleles (0.047%); highest among the groups gnomAD compares: Non-Finnish European, 0.058%; 1 homozygote.

Submission:

PreventionGenetics, part of Exact Sciences
Classification: Likely benign for SAGE1-related condition. Last evaluated: 2019-08-14. Review status: no assertion criteria provided. Collection method: clinical testing. Allele origin: germline.
Comment: This variant is classified as likely benign based on ACMG/AMP sequence variant interpretation guidelines (Richards et al. 2015 PMID: 25741868, with internal and published modifications).